The following is an entry in ClinVar:

ClinVar aggregate classification (germline): Uncertain significance. Review status: criteria provided, multiple submitters, no conflicts (2 of 4 stars). 5 submissions from 5 submitters: Uncertain significance (5). Last evaluated 2025-03-04.

Conditions:
Hereditary cancer-predisposing syndrome. Also called: Hereditary neoplastic syndrome; Neoplastic Syndromes, Hereditary; Tumor predisposition; Hereditary Cancer Syndrome. Identifiers: Orphanet 140162, MedGen C0027672, MeSH D009386, MONDO:0015356.
Hereditary breast ovarian cancer syndrome. Also called: Hereditary breast and ovarian cancer syndrome (HBOC); Hereditary breast and ovarian cancer; Hereditary breast and ovarian cancer syndrome; Breast and ovarian cancer; Hereditary breast and/or ovarian cancer syndrome; BRCA1- and BRCA2-Associated Hereditary Breast and Ovarian Cancer. Identifiers: Orphanet 145, MedGen C0677776, MeSH D061325, MONDO:0003582. Disease mechanism: loss of function.

Allele frequency attached by ClinVar (database versions not stated): gnomAD exomes below 0.00001; gnomAD 0.00001; TOPMed 0.00001.
gnomAD v4.1: 5 of 1,613,524 alleles (0.00031%); highest among the groups gnomAD compares: Non-Finnish European, 0.00042%; no homozygotes.

Submissions (5):

Center for Genomic Medicine, Rigshospitalet, Copenhagen University Hospital
Classification: Uncertain significance. Last evaluated: 2025-03-04. Review status: criteria provided, single submitter. Criteria: ACMG Guidelines, 2015. Collection method: clinical testing. Allele origin: germline.

Labcorp Genetics (formerly Invitae), Labcorp
Classification: Uncertain significance for Hereditary breast ovarian cancer syndrome. Last evaluated: 2025-03-04. Review status: criteria provided, single submitter. Criteria: Invitae Variant Classification Sherloc (09022015). Collection method: clinical testing. Allele origin: germline.
Comment: This sequence change replaces glutamine, which is neutral and polar, with histidine, which is basic and polar, at codon 1857 of the BRCA1 protein (p.Gln1857His). This variant is not present in population databases (gnomAD no frequency). This variant has not been reported in the literature in individuals affected with BRCA1-related conditions. ClinVar contains an entry for this variant (Variation ID: 246518). Invitae Evidence Modeling of protein sequence and biophysical properties (such as structural, functional, and spatial information, amino acid conservation, physicochemical variation, residue mobility, and thermodynamic stability) indicates that this missense variant is not expected to disrupt BRCA1 protein function with a negative predictive value of 95%. In summary, the available evidence is currently insufficient to determine the role of this variant in disease. Therefore, it has been classified as a Variant of Uncertain Significance.

Ambry Genetics
Classification: Uncertain significance for Hereditary cancer-predisposing syndrome. Last evaluated: 2025-01-20. Review status: criteria provided, single submitter. Criteria: Ambry Variant Classification Scheme 2023. Collection method: clinical testing. Allele origin: germline.
Comment: The p.Q1857H variant (also known as c.5571G>T), located in coding exon 22 of the BRCA1 gene, results from a G to T substitution at nucleotide position 5571. The glutamine at codon 1857 is replaced by histidine, an amino acid with highly similar properties. This amino acid position is not well conserved in available vertebrate species. In addition, the in silico prediction for this alteration is inconclusive. Since supporting evidence is limited at this time, the clinical significance of this alteration remains unclear.

GeneDx
Classification: Uncertain significance. Last evaluated: 2023-09-20. Review status: criteria provided, single submitter. Criteria: GeneDx Variant Classification Process June 2021. Collection method: clinical testing. Allele origin: germline. Affected: yes.
Comment: Not observed at significant frequency in large population cohorts (gnomAD); In silico analysis supports that this missense variant does not alter protein structure/function; Has not been previously published as pathogenic or benign to our knowledge; Also known as 5690G>T; This variant is associated with the following publications: (PMID: 17719744, 29884841, 32377563, 24389207, 10196224, 9738006, 9811458, 9926942, 9974970, 9159119, 11301010, 31911673)

Color Diagnostics, LLC DBA Color Health
Classification: Uncertain significance for Hereditary cancer-predisposing syndrome. Last evaluated: 2019-05-02. Review status: criteria provided, single submitter. Criteria: ACMG Guidelines, 2015. Collection method: clinical testing. Allele origin: germline.

NM_007294.4(BRCA1):c.5571G>T (p.Gln1857His)

Gene: BRCA1 (BRCA1 DNA repair associated; minus strand). Cytogenetic location: 17q21.31.
Variant type: single nucleotide variant.
Coding change: c.5571G>T on transcript NM_007294.4 (MANE Select); coding-DNA position 5571, G replaced by T.
Protein change: p.Gln1857His; replaces glutamine 1857 with histidine.
Molecular consequence: missense variant. On other transcripts: 3 prime UTR variant (1), non-coding transcript variant (1).
Genome position (GRCh38, 1-based): chr17:43,045,699, C>A on the plus strand (G>T on the coding strand, the complement: BRCA1 is on the minus strand). VCF-style: chr17-43045699-C-A. GRCh37 (hg19) VCF-style: chr17-41197716-C-A.
Other names: c.2115G>T, p.Gln705His (NM_001408468.1, NM_001408469.1, NM_001408470.1); c.5565G>T, p.Gln1855His (NM_001407630.1, NM_001407631.1, NM_001407632.1 and 13 more transcripts); c.5361G>T, p.Gln1787His (NM_001407887.1, NM_001407889.1, NM_001407885.1 and 5 more transcripts); c.2136G>T, p.Gln712His (NM_001408436.1, NM_001408437.1, NM_001408438.1 and 10 more transcripts); c.5358G>T, p.Gln1786His (NM_001407895.1, NM_001407896.1, NM_001407897.1 and 12 more transcripts); c.2058G>T, p.Gln686His (NM_001408475.1, NM_001408476.1); c.*85G>T (NM_001408473.1, NM_001408472.1, NM_007299.4 and 14 more transcripts); c.2061G>T, p.Gln687His (NM_001408474.1); and 74 more; short protein forms Q1857H, Q753H, Q1878H, Q1810H, Q1744H, Q1785H, Q1787H, Q1829H.
Identifiers: ClinVar variation 246518 (VCV000246518.25), dbSNP rs28897699, ClinGen allele CA10584544.
Genomic context (GRCh38, chr17:43,045,699, plus strand): 5'-CTTGGGGTCCTGTGGCTCTGTACCTGTGGCTGGCTGCAGTCAGTAGTGGCTGTGGGGGAT[C>A]TGGGGTATCAGGTAGGTGTCCAGCTCCTGGCACTGGTAGAGTGCTACACTGTCCAACACC-3'
Protein context (NP_009225.1, residues 1847-1863): CQELDTYLIP[Gln1857His]IPHSHY